The following is an entry in ClinVar:

NM_176824.3(BBS7):c.664A>G (p.Thr222Ala)

Gene: BBS7 (Bardet-Biedl syndrome 7; minus strand). Cytogenetic location: 4q27.
Variant type: single nucleotide variant.
Coding change: c.664A>G on transcript NM_176824.3 (MANE Select); coding-DNA position 664, A replaced by G.
Protein change: p.Thr222Ala; replaces threonine 222 with alanine.
Molecular consequence: missense variant.
Genome position (GRCh38, 1-based): chr4:121,854,758, T>C on the plus strand (A>G on the coding strand, the complement: BBS7 is on the minus strand). VCF-style: chr4-121854758-T-C. GRCh37 (hg19) VCF-style: chr4-122775913-T-C.
Other names: c.664A>G, p.Thr222Ala (NM_018190.4); short protein forms T222A.
Identifiers: ClinVar variation 3358589 (VCV003358589.2).
Genomic context (GRCh38, chr4:121,854,758, plus strand): 5'-GCATACCTCCTCTCTTTTTCTCATTTTGAATTTCCCACTTGCGTACTGGTTTGGATGTAG[T>C]AATCTGTATAAGCGCAAGTTTTCCGTCTGATGTCCCAAACAAAAGGTCTTCTCCAGAGTC-3'
Protein context (NP_789794.1, residues 212-232): SDGKLALIQI[Thr222Ala]TSKPVRKWEI

ClinVar aggregate classification (germline): Uncertain significance. Review status: criteria provided, single submitter (1 of 4 stars). 2 submissions from 2 submitters: Uncertain significance (1). 1 of the submissions does not count toward it. Last evaluated 2025-01-18.

Conditions:
BBS7-related disorder. Also called: BBS7-related condition.
Inborn genetic diseases. Identifiers: MedGen C0950123, MeSH D030342.

gnomAD v4.1: 32 of 1,612,722 alleles (0.002%); highest among the groups gnomAD compares: Non-Finnish European, 0.0025%; no homozygotes.

Submissions (2):

Ambry Genetics
Classification: Uncertain significance for Inborn genetic diseases. Last evaluated: 2025-01-18. Review status: criteria provided, single submitter. Criteria: Ambry Variant Classification Scheme 2023. Collection method: clinical testing. Allele origin: germline.

PreventionGenetics, part of Exact Sciences
Classification: Uncertain significance for BBS7-related condition. Last evaluated: 2024-03-06. Review status: no assertion criteria provided. Collection method: clinical testing. Allele origin: germline. Not counted in ClinVar's aggregate classification.
Comment: The BBS7 c.664A>G variant is predicted to result in the amino acid substitution p.Thr222Ala. To our knowledge, this variant has not been reported in the literature. This variant is reported in 0.0054% of alleles in individuals of European (Non-Finnish) descent in gnomAD. At this time, the clinical significance of this variant is uncertain due to the absence of conclusive functional and genetic evidence.